The following is an entry in ClinVar:

ClinVar aggregate classification (germline): Uncertain significance. Review status: criteria provided, multiple submitters, no conflicts (2 of 4 stars). 4 submissions from 4 submitters: Uncertain significance (4). Last evaluated 2025-07-01.

Conditions:
Inborn genetic diseases. Identifiers: MedGen C0950123, MeSH D030342.
Hereditary spastic paraplegia. Also called: Familial spastic paraparesis. Identifiers: Orphanet 685, MedGen C0037773, MONDO:0019064. Disease mechanism: loss of function.
Hereditary spastic paraplegia 39 (SPG39). Also called: SPASTIC PARAPLEGIA 39, AUTOSOMAL RECESSIVE; Spastic Paraplegia Type 39 (SPG39). Identifiers: Orphanet 139480, MedGen C2677586, MONDO:0012787, OMIM 612020.

Allele frequency attached by ClinVar (database versions not stated): ExAC 0.00004; gnomAD exomes 0.00007; TOPMed 0.00012; gnomAD 0.00014; ESP Exome Variant Server 0.00015.

Submissions (4):

Athena Diagnostics
Classification: Uncertain significance. Last evaluated: 2025-07-01. Review status: criteria provided, single submitter. Criteria: Athena Diagnostics Criteria. Collection method: clinical testing. Allele origin: unknown.
Comment: Available data are insufficient to determine the clinical significance of the variant at this time. The frequency of this variant in the general population is uninformative in assessment of its pathogenicity. Polyphen and MutationTaster predict this amino acid change may be benign.

Ambry Genetics
Classification: Uncertain significance for Inborn genetic diseases. Last evaluated: 2025-04-07. Review status: criteria provided, single submitter. Criteria: Ambry Variant Classification Scheme 2023. Collection method: clinical testing. Allele origin: germline.

Labcorp Genetics (formerly Invitae), Labcorp
Classification: Uncertain significance for Hereditary spastic paraplegia 39. Last evaluated: 2022-08-16. Review status: criteria provided, single submitter. Criteria: Invitae Variant Classification Sherloc (09022015). Collection method: clinical testing. Allele origin: germline.
Comment: This sequence change replaces alanine, which is neutral and non-polar, with threonine, which is neutral and polar, at codon 1295 of the PNPLA6 protein (p.Ala1295Thr). The frequency data for this variant in the population databases is considered unreliable, as metrics indicate poor data quality at this position in the gnomAD database. This variant has not been reported in the literature in individuals affected with PNPLA6-related conditions. ClinVar contains an entry for this variant (Variation ID: 1344481). Algorithms developed to predict the effect of missense changes on protein structure and function (SIFT, PolyPhen-2, Align-GVGD) all suggest that this variant is likely to be tolerated. In summary, the available evidence is currently insufficient to determine the role of this variant in disease. Therefore, it has been classified as a Variant of Uncertain Significance.

Genome Diagnostics Laboratory, The Hospital for Sick Children
Classification: Uncertain significance for Hereditary spastic paraplegia. Last evaluated: 2021-10-21. Review status: criteria provided, single submitter. Criteria: ACMG Guidelines, 2015. Collection method: clinical testing. Allele origin: germline. Affected: yes.

NM_001166114.2(PNPLA6):c.3997G>A (p.Ala1333Thr)

Gene: PNPLA6 (patatin like domain 6, lysophospholipase; plus strand). Cytogenetic location: 19p13.2.
Variant type: single nucleotide variant.
Coding change: c.3997G>A on transcript NM_001166114.2 (MANE Select); coding-DNA position 3997, G replaced by A.
Protein change: p.Ala1333Thr; replaces alanine 1333 with threonine.
Molecular consequence: missense variant.
Genome position (GRCh38, 1-based): chr19:7,561,291, G>A. VCF-style: chr19-7561291-G-A. GRCh37 (hg19) VCF-style: chr19-7626177-G-A.
Other names: c.4027G>A (NM_001166111.1); c.4027G>A, p.Ala1343Thr (NM_001166111.2); c.3802G>A, p.Ala1268Thr (NM_001166112.2); c.3883G>A, p.Ala1295Thr (NM_001166113.1, NM_006702.5); short protein forms A1268T, A1295T, A1333T, A1343T.
Identifiers: ClinVar variation 1344481 (VCV001344481.8), dbSNP rs143280550, ClinGen allele CA9140662.